The following is an entry in ClinVar:

NM_001211.6(BUB1B):c.604C>T (p.Arg202Trp)

Gene: BUB1B (BUB1 mitotic checkpoint serine/threonine kinase B; plus strand). Cytogenetic location: 15q15.1.
Variant type: single nucleotide variant.
Coding change: c.604C>T on transcript NM_001211.6 (MANE Select); coding-DNA position 604, C replaced by T.
Protein change: p.Arg202Trp; replaces arginine 202 with tryptophan.
Molecular consequence: missense variant.
Genome position (GRCh38, 1-based): chr15:40,183,736, C>T. VCF-style: chr15-40183736-C-T. GRCh37 (hg19) VCF-style: chr15-40475937-C-T.
Other names: short protein forms R202W.
Identifiers: ClinVar variation 655087 (VCV000655087.12), dbSNP rs746647687, ClinGen allele CA7475522.

ClinVar aggregate classification (germline): Uncertain significance. Review status: criteria provided, multiple submitters, no conflicts (2 of 4 stars). 3 submissions from 3 submitters: Uncertain significance (3). Last evaluated 2025-07-30.

Conditions:
Mosaic variegated aneuploidy syndrome 1 (MVA1). Also called: Warburton-Anyane-Yeboa syndrome. Identifiers: Orphanet 1052, MedGen C1850343, MONDO:0009759, OMIM 257300.
Inborn genetic diseases. Identifiers: MedGen C0950123, MeSH D030342.

Allele frequency attached by ClinVar (database versions not stated): gnomAD 0.00001; gnomAD exomes 0.00001 and 0.00002; TOPMed 0.00001; ExAC 0.00002.

Submissions (3):

Labcorp Genetics (formerly Invitae), Labcorp
Classification: Uncertain significance for Mosaic variegated aneuploidy syndrome 1. Last evaluated: 2025-07-30. Review status: criteria provided, single submitter. Criteria: Invitae Variant Classification Sherloc (09022015). Collection method: clinical testing. Allele origin: germline.
Comment: This sequence change replaces arginine, which is basic and polar, with tryptophan, which is neutral and slightly polar, at codon 202 of the BUB1B protein (p.Arg202Trp). This variant is present in population databases (rs746647687, gnomAD 0.02%). This variant has not been reported in the literature in individuals affected with BUB1B-related conditions. ClinVar contains an entry for this variant (Variation ID: 655087). An algorithm developed to predict the effect of missense changes on protein structure and function (PolyPhen-2) suggests that this variant is likely to be disruptive. In summary, the available evidence is currently insufficient to determine the role of this variant in disease. Therefore, it has been classified as a Variant of Uncertain Significance.

Ambry Genetics
Classification: Uncertain significance for Inborn genetic diseases. Last evaluated: 2024-11-26. Review status: criteria provided, single submitter. Criteria: Ambry Variant Classification Scheme 2023. Collection method: clinical testing. Allele origin: germline.

Molecular Pathology, Peter Maccallum Cancer Centre
Classification: Uncertain significance for Mosaic variegated aneuploidy syndrome 1. Last evaluated: 2024-01-15. Review status: criteria provided, single submitter. Criteria: ACMG Guidelines, 2015. Collection method: clinical testing. Allele origin: germline. Inheritance: Autosomal recessive inheritance.